The following is an entry in ClinVar:

ClinVar aggregate classification (germline): Likely benign (1 of 4 stars; one submission).

Submission:

CeGaT Center for Human Genetics Tuebingen
Classification: Likely benign. Last evaluated: 2025-06-01. Review status: criteria provided, single submitter. Criteria: CeGaT Center For Human Genetics Tuebingen Variant Classification Criteria Version 2. Collection method: clinical testing. Allele origin: germline. Affected: yes. Observed: 1 variant allele.
Comment: ZNF214: BP4, BP7

NM_013249.4(ZNF214):c.1173T>C (p.Cys391=)

Gene: ZNF214 (zinc finger protein 214; minus strand). Cytogenetic location: 11p15.4.
Variant type: single nucleotide variant.
Coding change: c.1173T>C on transcript NM_013249.4 (MANE Select); coding-DNA position 1173, T replaced by C.
Protein change: p.Cys391=; no amino-acid change (cysteine 391 retained).
Molecular consequence: synonymous variant.
Genome position (GRCh38, 1-based): chr11:7,000,510, A>G on the plus strand (T>C on the coding strand, the complement: ZNF214 is on the minus strand). VCF-style: chr11-7000510-A-G. GRCh37 (hg19) VCF-style: chr11-7021741-A-G.
Other names: c.1206T>C, p.Cys402= (NM_001354830.2); c.1173T>C, p.Cys391= (NM_001354831.2, NM_001354832.2); c.1131T>C, p.Cys377= (NM_001354833.2).
Identifiers: ClinVar variation 3905146 (VCV003905146.10).
Genomic context (GRCh38, chr11:7,000,510, plus strand): 5'-CTCTCCTGTGTGTACTAACTGATGAATTCGAAGATTTGAGCTCTGGCTGAAACCCTTACC[A>G]CACTCATCACACTTATATGGTTTTTCTCCTGTGTGGACTCTCTGATGAACATGAAGTACT-3'
Protein context (NP_037381.2, residues 381-401): TGEKPYKCDE[Cys391=]GKGFSQSSNL